The following is an entry in ClinVar:

ClinVar aggregate classification (germline): Uncertain significance. Review status: criteria provided, multiple submitters, no conflicts (2 of 4 stars). 2 submissions from 2 submitters: Uncertain significance (2). Last evaluated 2024-11-02.

Conditions:
Familial cancer of breast. Also called: BREAST CANCER, FAMILIAL; Hereditary breast cancer; hereditary breast carcinoma. Identifiers: Orphanet 227535, MedGen C0346153, MONDO:0016419, OMIM 114480. Disease mechanism: loss of function.
Fanconi anemia complementation group J. Also called: BRIP1-Related Fanconi Anemia. Identifiers: Orphanet 84, MedGen C1836860, MONDO:0012187, OMIM 609054.
Hereditary cancer-predisposing syndrome. Also called: Hereditary neoplastic syndrome; Tumor predisposition; Neoplastic Syndromes, Hereditary; Hereditary Cancer Syndrome. Identifiers: Orphanet 140162, MedGen C0027672, MeSH D009386, MONDO:0015356.

Submissions (2):

Ambry Genetics
Classification: Uncertain significance for Hereditary cancer-predisposing syndrome. Last evaluated: 2024-11-02. Review status: criteria provided, single submitter. Criteria: Ambry Variant Classification Scheme 2023. Collection method: clinical testing. Allele origin: germline.
Comment: The p.R160G variant (also known as c.478A>G), located in coding exon 4 of the BRIP1 gene, results from an A to G substitution at nucleotide position 478. The arginine at codon 160 is replaced by glycine, an amino acid with dissimilar properties. This amino acid position is conserved. In addition, this alteration is predicted to be deleterious by in silico analysis. Based on the available evidence, the clinical significance of this variant remains unclear.

Labcorp Genetics (formerly Invitae), Labcorp
Classification: Uncertain significance for Familial cancer of breast; Fanconi anemia complementation group J. Last evaluated: 2022-09-21. Review status: criteria provided, single submitter. Criteria: Invitae Variant Classification Sherloc (09022015). Collection method: clinical testing. Allele origin: germline.
Comment: In summary, the available evidence is currently insufficient to determine the role of this variant in disease. Therefore, it has been classified as a Variant of Uncertain Significance. Advanced modeling of protein sequence and biophysical properties (such as structural, functional, and spatial information, amino acid conservation, physicochemical variation, residue mobility, and thermodynamic stability) performed at Invitae indicates that this missense variant is expected to disrupt BRIP1 protein function. This variant has not been reported in the literature in individuals affected with BRIP1-related conditions. This variant is not present in population databases (gnomAD no frequency). This sequence change replaces arginine, which is basic and polar, with glycine, which is neutral and non-polar, at codon 160 of the BRIP1 protein (p.Arg160Gly).

NM_032043.3(BRIP1):c.478A>G (p.Arg160Gly)

Gene: BRIP1 (BRCA1 interacting DNA helicase 1; minus strand). Cytogenetic location: 17q23.2.
Variant type: single nucleotide variant.
Coding change: c.478A>G on transcript NM_032043.3 (MANE Select); coding-DNA position 478, A replaced by G.
Protein change: p.Arg160Gly; replaces arginine 160 with glycine.
Molecular consequence: missense variant.
Genome position (GRCh38, 1-based): chr17:61,849,158, T>C on the plus strand (A>G on the coding strand, the complement: BRIP1 is on the minus strand). VCF-style: chr17-61849158-T-C. GRCh37 (hg19) VCF-style: chr17-59926519-T-C.
Other names: short protein forms R160G.
Identifiers: ClinVar variation 1719942 (VCV001719942.6), dbSNP rs2145762399, ClinGen allele CA400484402.